The following is an entry in ClinVar:

NM_014049.5(ACAD9):c.359del (p.Phe120fs)

Gene: ACAD9 (acyl-CoA dehydrogenase family member 9; plus strand). Cytogenetic location: 3q21.3.
Variant type: Deletion.
Coding change: c.359del on transcript NM_014049.5 (MANE Select); coding-DNA position 359, one base deleted (T; older notation c.359delT).
Protein change: p.Phe120fs; shifts the reading frame from phenylalanine 120.
Molecular consequence: frameshift variant. On other transcripts: non-coding transcript variant (1).
Genome position (GRCh38, 1-based): chr3:128,895,322, T deleted; the last of 2 consecutive T bases (chr3:128,895,321-128,895,322); deleting either gives the same sequence. VCF-style (leftmost placement, unchanged base first): chr3-128895320-CT-C. GRCh37 (hg19) VCF-style: chr3-128614163-CT-C.
Other names: c.359del (NM_014049.4); c.359delT (NM_014049.5); short protein forms F120fs.
Identifiers: ClinVar variation 242524 (VCV000242524.35), dbSNP rs863224844, ClinGen allele CA353805.

ClinVar aggregate classification (germline): Pathogenic/Likely pathogenic. Review status: criteria provided, multiple submitters, no conflicts (2 of 4 stars). 10 submissions from 10 submitters: Pathogenic (9); Likely pathogenic (1). Last evaluated 2026-01-29.

Conditions:
Mitochondrial complex I deficiency. Also called: NADH:Q(1) OXIDOREDUCTASE DEFICIENCY. Identifiers: Orphanet 2609, MedGen C1838979, MeSH C537475, MONDO:0100133.
ACAD9-related disorder. Also called: ACAD9-related condition.
Acyl-CoA dehydrogenase 9 deficiency. Also called: Acyl-CoA dehydrogenase family, member 9, deficiency of; MITOCHONDRIAL COMPLEX I DEFICIENCY, NUCLEAR TYPE 20. Identifiers: Orphanet 99901, MedGen C4747517, MONDO:0012624, OMIM 611126.

Submissions (10):

Dasa
Classification: Pathogenic. Last evaluated: 2026-01-29. Review status: criteria provided, single submitter. Criteria: DASA Assertion Criteria. Collection method: clinical testing. Allele origin: germline.
Comment: NM_014049.5(ACAD9):c.359del (p.Phe120Serfs*9) introduces a premature termination codon predicted to result in loss of normal protein function. Loss-of-function is an established mechanism of disease for this gene. Functional evidence supports a deleterious effect on the gene or gene product (PMID: 25721401; PMID: 26669660; PMID: 28529009). This variant has been recurrently observed in individuals with related phenotype (PMID: 25721401; PMID: 26669660; PMID: 28529009). The variant is present at low frequency in population datasets. Based on the available data, this variant is classified as pathogenic.

Labcorp Genetics (formerly Invitae), Labcorp
Classification: Pathogenic. Last evaluated: 2026-01-28. Review status: criteria provided, single submitter. Criteria: Invitae Variant Classification Sherloc (09022015). Collection method: clinical testing. Allele origin: germline.
Comment: This sequence change creates a premature translational stop signal (p.Phe120Serfs*9) in the ACAD9 gene. It is expected to result in an absent or disrupted protein product. Loss-of-function variants in ACAD9 are known to be pathogenic (PMID: 25721401). This variant is present in population databases (rs746304569, gnomAD 0.05%). This premature translational stop signal has been observed in individuals with mitochondrial complex I deficiency (PMID: 25721401, 26669660, 28529009). This variant is also known as c.358delT. ClinVar contains an entry for this variant (Variation ID: 242524). For these reasons, this variant has been classified as Pathogenic.

Natera, Inc.
Classification: Pathogenic for ACAD9 deficiency. Last evaluated: 2025-12-08. Review status: criteria provided, single submitter. Criteria: Natera Variant Classification Schema (03/2026). Collection method: clinical testing. Allele origin: germline.
Comment: The c.359delT variant in ACAD9 is a frameshift variant predicted to shift the reading frame beginning at codon 120 and leads to a stop codon 9 codons downstream. This variant is expected to result in nonsense mediated decay, truncation, or a dysfunctional protein product. The frequency of this variant in the general population is greater than expected for disorder. This variant has been observed in one or more individuals affected with the associated recessive disease, as either homozygous or compound heterozygous with a second variant (PMID: 34440436). Given the available evidence, this variant is classified as Pathogenic.

Blueprint Genetics
Classification: Pathogenic for ACAD9-related disorders. Last evaluated: 2024-10-02. Review status: criteria provided, single submitter. Criteria: ACMG Guidelines, 2015. Collection method: clinical testing. Allele origin: germline. Affected: yes. Observed: 4 variant alleles.

Laboratorio de Genetica e Diagnostico Molecular, Hospital Israelita Albert Einstein
Classification: Pathogenic for Acyl-CoA dehydrogenase 9 deficiency. Last evaluated: 2024-09-08. Review status: criteria provided, single submitter. Criteria: ACMG Guidelines, 2015. Collection method: clinical testing. Allele origin: germline. Affected: yes.
Comment: ACMG classification criteria: PVS1 very strong, PM2 supporting, PM3 moderate

Fulgent Genetics
Classification: Pathogenic for Acyl-CoA dehydrogenase 9 deficiency. Last evaluated: 2024-06-12. Review status: criteria provided, single submitter. Criteria: ACMG Guidelines, 2015. Collection method: clinical testing. Allele origin: germline.

Women's Health and Genetics/Laboratory Corporation of America, LabCorp
Classification: Pathogenic for Mitochondrial complex I deficiency. Last evaluated: 2024-01-11. Review status: criteria provided, single submitter. Criteria: LabCorp Variant Classification Summary - May 2015. Collection method: clinical testing. Allele origin: germline.
Comment: Variant summary: ACAD9 c.359delT (p.Phe120SerfsX9) results in a premature termination codon, predicted to cause absence of the protein due to nonsense mediated decay, which is a commonly known mechanism for disease. The variant allele was found at a frequency of 0.0001 in 247292 control chromosomes (gnomAD). This frequency is not higher than expected for a pathogenic variant in ACAD9 causing Mitochondrial Complex I Deficiency, Nuclear Type 20 (0.0001 vs 0.0011). c.359delT (also known as c.358delT) has been reported in the literature in individuals affected with Mitochondrial Complex I Deficiency and the variant segregated with disease (examples: Collet_2016, Fragaki_2017, Schiff_2015, and Barbosa-Gouveia_2021). These data indicate that the variant is very likely to be associated with disease. The following publications have been ascertained in the context of this evaluation (PMID: 34440436, 26669660, 28529009, 34023438, 25721401). Six clinical diagnostic laboratories have submitted clinical-significance assessments for this variant to ClinVar after 2014 and classified the variant as pathogenic (n=5) and likely pathogenic (n=1). Based on the evidence outlined above, the variant was classified as pathogenic.

Revvity Omics, Revvity
Classification: Pathogenic for Acyl-CoA dehydrogenase 9 deficiency. Last evaluated: 2023-03-23. Review status: criteria provided, single submitter. Criteria: ACMG Guidelines, 2015. Collection method: clinical testing. Allele origin: germline.

GeneDx
Classification: Pathogenic. Last evaluated: 2022-04-30. Review status: criteria provided, single submitter. Criteria: GeneDx Variant Classification Process June 2021. Collection method: clinical testing. Allele origin: germline. Affected: yes.
Comment: Frameshift variant predicted to result in protein truncation or nonsense mediated decay in a gene for which loss-of-function is a known mechanism of disease; This variant is associated with the following publications: (PMID: 25721401, 28529009, 25326637, 31683770, 26669660, 30025539, 34440436, 34023438, 34204301)

Illumina Laboratory Services, Illumina
Classification: Likely pathogenic for Acyl-CoA dehydrogenase 9 deficiency. Last evaluated: 2018-10-24. Review status: criteria provided, single submitter. Criteria: ICSL Variant Classification Criteria 09 May 2019. Collection method: clinical testing. Allele origin: germline.
Comment: The ACAD9 c.359delT (p.Phe120SerfsTer9) variant is a frameshift variant that is predicted to result in premature termination of the protein. This variant has not been reported in the literature; however an equivalent variant, c.358delT (p.Phe120SerfsTer9) has been reported in at least five studies and is found in a compound heterozygous state in a total of three individuals with ACAD9 deficiency (Lee et al. 2014; Collet et al. 2015; Schiff et al. 2015; Fragaki et al. 2017; Repp et al. 2018). Control data are unavailable for the p.Phe120SerfsTer9 variant, which is reported at a frequency of 0.000527 in the Latino population of the Genome Aggregation Database. Mitochondrial respiratory chain complex I activity was reduced in patient-derived muscle and heart tissue (Collet et al. 2015; Schiff et al. 2015; Fragaki et al. 2017). Based on the evidence, the p.Phe120SerfsTer9 variant is classified as likely pathogenic for ACAD9 deficiency. This variant was observed by ICSL as part of a predisposition screen in an ostensibly healthy population.

Literature cited by the submitters: PubMed 25721401 (cited by 4 submitters); PubMed 26669660 (cited by 4 submitters); PubMed 28529009 (cited by 4 submitters); PubMed 34440436 (cited by Natera, Inc. and Women's Health and Genetics/Laboratory Corporation of America, LabCorp); PubMed 34023438 (cited by Women's Health and Genetics/Laboratory Corporation of America, LabCorp); PubMed 25326637 (cited by Illumina Laboratory Services, Illumina); PubMed 30025539 (cited by Illumina Laboratory Services, Illumina).